The following is an entry in ClinVar:

NC_000006.12:g.99593164C>T

Genes: PRDM13 (PR/SET domain 13; plus strand), LOC111365204 (CCNC and PRDM13 intergenic region DNase I hypersensitve site DHS6S1; plus strand). Cytogenetic location: 6q16.2.
Variant type: single nucleotide variant.
Genome position: GRCh38 VCF-style: chr6-99593164-C-T. GRCh37 (hg19) VCF-style: chr6-100041040-C-T.
Other names: CHR6:100,041,040, C-T.
Identifiers: ClinVar variation 446241 (VCV000446241.6), dbSNP rs1554264616, ClinGen allele CA658653778.

ClinVar aggregate classification (germline): Conflicting classifications of pathogenicity. Review status: criteria provided, conflicting classifications (1 of 4 stars). 3 submissions from 3 submitters: Likely pathogenic (1); Uncertain significance (1). 1 of the submissions does not count toward it. Last evaluated 2025-04-21.

Conditions:
North Carolina macular dystrophy (MCDR1). Also called: Macular dystrophy retinal 1 North Carolina type. Identifiers: Orphanet 75327, MedGen C0730294, MONDO:0007630, OMIM 136550.
PRDM13-related disorder. Also called: PRDM13-related condition.

Submissions (3):

Labcorp Genetics (formerly Invitae), Labcorp
Classification: Uncertain significance. Last evaluated: 2025-04-21. Review status: criteria provided, single submitter. Criteria: Invitae Variant Classification Sherloc (09022015). Collection method: clinical testing. Allele origin: germline.
Comment: This variant occurs in a non-coding region of the PRDM13 gene. It does not change the encoded amino acid sequence of the PRDM13 protein. This variant is not present in population databases (gnomAD no frequency). This variant has been observed in individuals with North Carolina macular dystrophy (PMID: 26507665; internal data). It has also been observed to segregate with disease in related individuals. This variant is also known as V3 or g.100041040C>T. In summary, the available evidence is currently insufficient to determine the role of this variant in disease. Therefore, it has been classified as a Variant of Uncertain Significance.

Blueprint Genetics
Classification: Likely pathogenic for PRDM13-related disorders. Last evaluated: 2019-07-09. Review status: criteria provided, single submitter. Criteria: ACMG Guidelines, 2015. Collection method: clinical testing. Allele origin: germline. Affected: yes. Observed: 1 variant allele.

OMIM
Classification: Pathogenic for MACULAR DYSTROPHY, RETINAL, 1, NORTH CAROLINA TYPE. Last evaluated: 2017-09-07. Review status: no assertion criteria provided. Collection method: literature only. Allele origin: germline. Not counted in ClinVar's aggregate classification.

Literature cited by the submitters: PubMed 26507665 (cited by Labcorp Genetics (formerly Invitae), Labcorp and OMIM).